The following is an entry in ClinVar:

NM_058216.3(RAD51C):c.705+1G>A

Genes: RAD51C (RAD51 paralog C; plus strand), LOC129390903 (MPRA-validated peak2919 silencer; plus strand). Cytogenetic location: 17q22.
Variant type: single nucleotide variant.
Coding change: c.705+1G>A on transcript NM_058216.3 (MANE Select); the canonical splice donor site of the intron after coding-DNA position 705, G replaced by A.
Molecular consequence: splice donor variant.
Genome position (GRCh38, 1-based): chr17:58,703,330, G>A. VCF-style: chr17-58703330-G-A. GRCh37 (hg19) VCF-style: chr17-56780691-G-A.
Identifiers: ClinVar variation 230577 (VCV000230577.24), dbSNP rs876658644, ClinGen allele CA10580748.

ClinVar aggregate classification (germline): Pathogenic/Likely pathogenic. Review status: criteria provided, multiple submitters, no conflicts (2 of 4 stars). 6 submissions from 6 submitters: Pathogenic (1); Likely pathogenic (5). Last evaluated 2025-08-18.

Conditions:
Hereditary cancer-predisposing syndrome. Also called: Hereditary Cancer Syndrome; Neoplastic Syndromes, Hereditary; Tumor predisposition; Hereditary neoplastic syndrome. Identifiers: Orphanet 140162, MedGen C0027672, MeSH D009386, MONDO:0015356.
Breast-ovarian cancer, familial, susceptibility to, 3. Also called: RAD51C-Related Breast/Ovarian Cancer. Identifiers: Orphanet 145, MedGen C3150659, MONDO:0013253, OMIM 613399.
Fanconi anemia complementation group O. Also called: RAD51C-Related Fanconi Anemia. Identifiers: Orphanet 84, MedGen C3150653, MONDO:0013248, OMIM 613390.

Allele frequency attached by ClinVar (database versions not stated): TOPMed below 0.00001.

Submissions (6):

Color Diagnostics, LLC DBA Color Health
Classification: Likely pathogenic for Hereditary cancer-predisposing syndrome. Last evaluated: 2025-08-18. Review status: criteria provided, single submitter. Criteria: ACMG Guidelines, 2015. Collection method: clinical testing. Allele origin: germline.
Comment: This variant causes a G to A nucleotide substitution at the +1 position of intron 4 of the RAD51C gene. Splice site prediction tools predict that this variant may have a significant impact on RNA splicing. This variant is expected to result in an absent or disrupted protein product. RNA studies using a minigene assay showed that this variant resulted in complete skipping of exon 4 (PMID: 35740625). This variant has been reported in individuals affected with breast and/or ovarian cancer (PMID: 26720728, 30949688, 32107557, 40429818). This variant has not been identified in the general population by the Genome Aggregation Database (gnomAD). Loss of RAD51C function is a known mechanism of disease. Based on the available evidence, this variant is classified as Likely Pathogenic.

Unidad de Genética Molecular HGU Elche, Hospital General Universitario de Elche
Classification: Likely pathogenic for Hereditary cancer-predisposing syndrome. Last evaluated: 2025-05-05. Review status: criteria provided, single submitter. Criteria: ACMG Guidelines, 2015. Collection method: clinical testing. Allele origin: germline. Affected: yes.
Comment: PVS1 vey strong; PP5 very strong; PM2 supporting

Labcorp Genetics (formerly Invitae), Labcorp
Classification: Pathogenic for Fanconi anemia complementation group O. Last evaluated: 2025-04-27. Review status: criteria provided, single submitter. Criteria: Invitae Variant Classification Sherloc (09022015). Collection method: clinical testing. Allele origin: germline.
Comment: This sequence change affects a donor splice site in intron 4 of the RAD51C gene. RNA analysis indicates that disruption of this splice site induces altered splicing and may result in an absent or altered protein product. This variant is not present in population databases (gnomAD no frequency). Disruption of this splice site has been observed in individual(s) with breast cancer and/or ovarian cancer (PMID: 26720728, 30949688, 32107557). ClinVar contains an entry for this variant (Variation ID: 230577). Studies have shown that disruption of this splice site alters mRNA splicing and is expected to lead to the loss of protein expression (PMID: 35740625; internal data). For these reasons, this variant has been classified as Pathogenic.

Ambry Genetics
Classification: Likely pathogenic for Hereditary cancer-predisposing syndrome. Last evaluated: 2024-10-26. Review status: criteria provided, single submitter. Criteria: Ambry Variant Classification Scheme 2023. Collection method: clinical testing. Allele origin: germline.
Comment: The c.705+1G>A intronic variant results from a G to A substitution one nucleotide after coding exon 4 of the RAD51C gene. This variant has been reported in individuals with breast cancer and/or ovarian cancer (Norquist BM et al. JAMA Oncol, 2016 Apr;2:482-90; Li N et al. J Natl Cancer Inst, 2019 Dec;111:1332-1338; Yang X et al. J Natl Cancer Inst, 2020 Dec;112:1242-1250). This nucleotide position is highly conserved in available vertebrate species. In silico splice site analysis predicts that this alteration will weaken the native splice donor site. In a functional RNA study, this variant was associated with exon 4 skipping (Sanoguera-Miralles L et al. Cancers (Basel), 2022 Jun;14: Ambry internal data). Alterations that disrupt the canonical splice site are expected to cause aberrant splicing, resulting in an abnormal protein or a transcript that is subject to nonsense-mediated mRNA decay. As such, this alteration is classified as likely pathogenic.

Fulgent Genetics
Classification: Likely pathogenic for Fanconi anemia complementation group O; Breast-ovarian cancer, familial, susceptibility to, 3. Last evaluated: 2024-03-28. Review status: criteria provided, single submitter. Criteria: ACMG Guidelines, 2015. Collection method: clinical testing. Allele origin: germline.

Myriad Genetics, Inc.
Classification: Likely pathogenic for Breast-ovarian cancer, familial, susceptibility to, 3. Last evaluated: 2024-01-03. Review status: criteria provided, single submitter. Criteria: Myriad Autosomal Dominant, Autosomal Recessive and X-Linked Classification Criteria (2023). Collection method: clinical testing. Allele origin: unknown.
Comment: This variant is considered likely pathogenic. This variant occurs within a consensus splice junction and is predicted to result in abnormal mRNA splicing of either an out-of-frame exon or an in-frame exon necessary for protein stability and/or normal function.

Literature cited by the submitters: PubMed 26720728 (cited by 3 submitters); PubMed 30949688 (cited by 3 submitters); PubMed 32107557 (cited by 3 submitters); PubMed 35740625 (cited by 3 submitters); PubMed 40429818 (cited by Color Diagnostics, LLC DBA Color Health).